The following is an entry in ClinVar:

ClinVar aggregate classification (germline): Benign/Likely benign. Review status: criteria provided, multiple submitters, no conflicts (2 of 4 stars). 5 submissions from 5 submitters: Benign (1); Likely benign (4). Last evaluated 2025-09-03.

Conditions:
Hereditary nonpolyposis colorectal neoplasms. Identifiers: MedGen C0009405, MeSH D003123.
Hereditary cancer-predisposing syndrome. Also called: Neoplastic Syndromes, Hereditary; Tumor predisposition; Hereditary Cancer Syndrome; Hereditary neoplastic syndrome. Identifiers: Orphanet 140162, MedGen C0027672, MeSH D009386, MONDO:0015356.
Lynch syndrome 5 (LYNCH5). Also called: Colorectal cancer, hereditary nonpolyposis, type 5; Hereditary non-polyposis colorectal cancer, type 5. Identifiers: Orphanet 144, MedGen C1833477, MONDO:0013710, OMIM 614350. Disease mechanism: loss of function.

Allele frequency attached by ClinVar (database versions not stated): ExAC 0.00001; gnomAD exomes 0.00001.
gnomAD v4.1: 3 of 1,606,896 alleles (0.00019%); no homozygotes.

Submissions (5):

Labcorp Genetics (formerly Invitae), Labcorp
Classification: Likely benign for Hereditary nonpolyposis colorectal neoplasms. Last evaluated: 2025-09-03. Review status: criteria provided, single submitter. Criteria: Invitae Variant Classification Sherloc (09022015). Collection method: clinical testing. Allele origin: germline.

Myriad Genetics, Inc.
Classification: Benign for Lynch syndrome 5. Last evaluated: 2025-01-03. Review status: criteria provided, single submitter. Criteria: Myriad Autosomal Dominant, Autosomal Recessive and X-Linked Classification Criteria (2023). Collection method: clinical testing. Allele origin: unknown.
Comment: This variant is considered benign. This variant is a silent/synonymous amino acid change and it is not expected to impact splicing.

Ambry Genetics
Classification: Likely benign for Hereditary cancer-predisposing syndrome. Last evaluated: 2024-09-03. Review status: criteria provided, single submitter. Criteria: Ambry Variant Classification Scheme 2023. Collection method: clinical testing. Allele origin: germline.

Women's Health and Genetics/Laboratory Corporation of America, LabCorp
Classification: Likely benign. Last evaluated: 2019-10-26. Review status: criteria provided, single submitter. Criteria: LabCorp Variant Classification Summary - May 2015. Collection method: clinical testing. Allele origin: germline.

Color Diagnostics, LLC DBA Color Health
Classification: Likely benign for Hereditary cancer-predisposing syndrome. Last evaluated: 2018-11-26. Review status: criteria provided, single submitter. Criteria: ACMG Guidelines, 2015. Collection method: clinical testing. Allele origin: germline.

NM_000179.3(MSH6):c.3081A>G (p.Val1027=)

Gene: MSH6 (mutS homolog 6; plus strand). Cytogenetic location: 2p16.3.
Variant type: single nucleotide variant.
Coding change: c.3081A>G on transcript NM_000179.3 (MANE Select); coding-DNA position 3081, A replaced by G.
Protein change: p.Val1027=; no amino-acid change (valine 1027 retained).
Molecular consequence: synonymous variant.
Genome position (GRCh38, 1-based): chr2:47,801,064, A>G. VCF-style: chr2-47801064-A-G. GRCh37 (hg19) VCF-style: chr2-48028203-A-G.
Other names: c.2691A>G, p.Val897= (NM_001281492.2); c.2175A>G, p.Val725= (NM_001281493.2, NM_001281494.2).
Identifiers: ClinVar variation 922612 (VCV000922612.13), dbSNP rs760019920, ClinGen allele CA070024.